The following is an entry in ClinVar:

NM_001384732.1(CPLANE1):c.6186C>A (p.Asn2062Lys)

Gene: CPLANE1 (ciliogenesis and planar polarity effector complex subunit 1; minus strand). Cytogenetic location: 5p13.2.
Variant type: single nucleotide variant.
Coding change: c.6186C>A on transcript NM_001384732.1 (MANE Select); coding-DNA position 6186, C replaced by A.
Protein change: p.Asn2062Lys; replaces asparagine 2062 with lysine.
Molecular consequence: missense variant.
Genome position (GRCh38, 1-based): chr5:37,170,317, G>T on the plus strand (C>A on the coding strand, the complement: CPLANE1 is on the minus strand). VCF-style: chr5-37170317-G-T. GRCh37 (hg19) VCF-style: chr5-37170419-G-T.
Other names: c.6186C>A, p.Asn2062Lys (NM_023073.4); short protein forms N2062K.
Identifiers: ClinVar variation 1359876 (VCV001359876.7), dbSNP rs755471609, ClinGen allele CA3238306.

ClinVar aggregate classification (germline): Uncertain significance. Review status: criteria provided, multiple submitters, no conflicts (2 of 4 stars). 2 submissions from 2 submitters: Uncertain significance (2). Last evaluated 2022-03-12.

Conditions:
Orofaciodigital syndrome type 6 (OFD6). Also called: OROFACIODIGITAL SYNDROME VI; OFDS VI; POLYDACTYLY, CLEFT LIP/PALATE OR LINGUAL LUMP, AND PSYCHOMOTOR RETARDATION; VARADI SYNDROME; VARADI-PAPP SYNDROME; Oral-facial-digital syndrome type 6. Identifiers: Orphanet 2754, MedGen C2745997, MONDO:0010176, OMIM 277170.
Joubert syndrome 17 (JBTS17). Identifiers: Orphanet 475, MedGen C3553264, MONDO:0013824, OMIM 614615.

Allele frequency attached by ClinVar (database versions not stated): TOPMed below 0.00001; gnomAD exomes 0.00001; ExAC 0.00002.
gnomAD v4.1: 9 of 1,612,632 alleles (0.00056%); highest among the groups gnomAD compares: Non-Finnish European, 0.00076%; no homozygotes.

Submissions (2):

Labcorp Genetics (formerly Invitae), Labcorp
Classification: Uncertain significance. Last evaluated: 2022-03-12. Review status: criteria provided, single submitter. Criteria: Invitae Variant Classification Sherloc (09022015). Collection method: clinical testing. Allele origin: germline.
Comment: Algorithms developed to predict the effect of missense changes on protein structure and function are either unavailable or do not agree on the potential impact of this missense change (SIFT: "Deleterious"; PolyPhen-2: "Probably Damaging"; Align-GVGD: "Class C0"). This sequence change replaces asparagine, which is neutral and polar, with lysine, which is basic and polar, at codon 2062 of the CPLANE1 protein (p.Asn2062Lys). This variant is present in population databases (rs755471609, gnomAD 0.003%). This variant has not been reported in the literature in individuals affected with CPLANE1-related conditions. Algorithms developed to predict the effect of sequence changes on RNA splicing suggest that this variant may disrupt the consensus splice site. In summary, the available evidence is currently insufficient to determine the role of this variant in disease. Therefore, it has been classified as a Variant of Uncertain Significance.

Fulgent Genetics
Classification: Uncertain significance for Orofaciodigital syndrome type 6; Joubert syndrome 17. Last evaluated: 2022-01-05. Review status: criteria provided, single submitter. Criteria: ACMG Guidelines, 2015. Collection method: clinical testing. Allele origin: unknown.